The following is an entry in ClinVar:

NM_001378454.1(ALMS1):c.7854C>G (p.Asn2618Lys)

Gene: ALMS1 (ALMS1 centrosome and basal body associated protein; plus strand). Cytogenetic location: 2p13.1.
Variant type: single nucleotide variant.
Coding change: c.7854C>G on transcript NM_001378454.1 (MANE Select); coding-DNA position 7854, C replaced by G.
Protein change: p.Asn2618Lys; replaces asparagine 2618 with lysine.
Molecular consequence: missense variant.
Genome position (GRCh38, 1-based): chr2:73,489,813, C>G. VCF-style: chr2-73489813-C-G. GRCh37 (hg19) VCF-style: chr2-73716940-C-G.
Other names: c.7857C>G, p.Asn2619Lys (NM_015120.4); short protein forms N2619K, N2618K.
Identifiers: ClinVar variation 2186015 (VCV002186015.2), dbSNP rs1220294777, ClinGen allele CA347266001.
Genomic context (GRCh38, chr2:73,489,813, plus strand): 5'-TAGACACCCTTGTGCTTTCAGATCTGCTGGACCCTCAGAAATGACCAGAGGACGGCAGAA[C>G]CCATCATCATGCAGAGCCAAGCATGTCAACCTTTCTGCATCCTTAGACCAGAACAACTCC-3'
Protein context (NP_001365383.1, residues 2608-2628): GPSEMTRGRQ[Asn2618Lys]PSSCRAKHVN

ClinVar aggregate classification (germline): Uncertain significance (1 of 4 stars; one submission).

Conditions:
Alstrom syndrome (ALMS). Identifiers: Orphanet 64, MedGen C0268425, MONDO:0008763, OMIM 203800.

Allele frequency attached by ClinVar (database versions not stated): TOPMed below 0.00001; gnomAD 0.00001.
gnomAD v4.1: 2 of 1,614,008 alleles (0.00012%); highest among the groups gnomAD compares: African/African-American, 0.0027%; no homozygotes.

Submission:

Labcorp Genetics (formerly Invitae), Labcorp
Classification: Uncertain significance for Alstrom syndrome. Last evaluated: 2022-04-11. Review status: criteria provided, single submitter. Criteria: Invitae Variant Classification Sherloc (09022015). Collection method: clinical testing. Allele origin: germline.
Comment: This variant has not been reported in the literature in individuals affected with ALMS1-related conditions. This variant is present in population databases (no rsID available, gnomAD 0.01%). This sequence change replaces asparagine, which is neutral and polar, with lysine, which is basic and polar, at codon 2619 of the ALMS1 protein (p.Asn2619Lys). In summary, the available evidence is currently insufficient to determine the role of this variant in disease. Therefore, it has been classified as a Variant of Uncertain Significance.